The following is an entry in ClinVar:

ClinVar aggregate classification (germline): Uncertain significance. Review status: criteria provided, multiple submitters, no conflicts (2 of 4 stars). 2 submissions from 2 submitters: Uncertain significance (2). Last evaluated 2024-04-01.

Conditions:
Inborn genetic diseases. Identifiers: MedGen C0950123, MeSH D030342.
ADCY3-related disorder. Also called: ADCY3-related condition.

Allele frequency attached by ClinVar (database versions not stated): ExAC 0.00001; gnomAD exomes 0.00001; gnomAD 0.00002; TOPMed 0.00002.
gnomAD v4.1: 14 of 1,614,048 alleles (0.00087%); highest among the groups gnomAD compares: South Asian, 0.0055%; no homozygotes.

Submissions (2):

Ambry Genetics
Classification: Uncertain significance for Inborn genetic diseases. Last evaluated: 2024-04-01. Review status: criteria provided, single submitter. Criteria: Ambry Variant Classification Scheme 2023. Collection method: clinical testing. Allele origin: germline.

PreventionGenetics, part of Exact Sciences
Classification: Uncertain significance for ADCY3-related condition. Last evaluated: 2023-02-21. Review status: criteria provided, single submitter. Criteria: ACMG Guidelines, 2015. Collection method: clinical testing. Allele origin: germline.
Comment: The ADCY3 c.1420G>A variant is predicted to result in the amino acid substitution p.Asp474Asn. To our knowledge, this variant has not been reported in the literature. This variant is reported in 0.0035% of alleles in individuals of European (Non-Finnish) descent in gnomAD. At this time, the clinical significance of this variant is uncertain due to the absence of conclusive functional and genetic evidence.

NM_004036.5(ADCY3):c.1420G>A (p.Asp474Asn)

Gene: ADCY3 (adenylate cyclase 3; minus strand). Cytogenetic location: 2p23.3.
Variant type: single nucleotide variant.
Coding change: c.1420G>A on transcript NM_004036.5 (MANE Select); coding-DNA position 1420, G replaced by A.
Protein change: p.Asp474Asn; replaces aspartic acid 474 with asparagine.
Molecular consequence: missense variant.
Genome position (GRCh38, 1-based): chr2:24,838,558, C>T on the plus strand (G>A on the coding strand, the complement: ADCY3 is on the minus strand). VCF-style: chr2-24838558-C-T. GRCh37 (hg19) VCF-style: chr2-25061427-C-T.
Other names: c.1420G>A, p.Asp474Asn (NM_001320613.2, NM_001377129.1, NM_001377130.1 and 1 more transcripts); c.1486G>A, p.Asp496Asn (NM_001377128.1); c.697G>A, p.Asp233Asn (NM_001377131.1); c.1420G>A (NM_004036.3); short protein forms D233N, D474N, D496N.
Identifiers: ClinVar variation 2634802 (VCV002634802.2), dbSNP rs772276162, ClinGen allele CA1554130.